The following is an entry in ClinVar:

NM_001257180.2(SLC20A2):c.1523+1G>A

Gene: SLC20A2 (solute carrier family 20 member 2; minus strand). Cytogenetic location: 8p11.21.
Variant type: single nucleotide variant.
Coding change: c.1523+1G>A on transcript NM_001257180.2 (MANE Select); the canonical splice donor site of the intron after coding-DNA position 1523, G replaced by A.
Molecular consequence: splice donor variant.
Genome position (GRCh38, 1-based): chr8:42,436,988, C>T on the plus strand (G>A on the coding strand, the complement: SLC20A2 is on the minus strand). VCF-style: chr8-42436988-C-T. GRCh37 (hg19) VCF-style: chr8-42294506-C-T.
Other names: c.1523+1G>A (NM_001257180.1, NM_006749.5, NM_001257181.2).
Identifiers: ClinVar variation 3389455 (VCV003389455.15).
Genomic context (GRCh38, chr8:42,436,988, plus strand): 5'-AGCGCTGGCCCCTGGCGGAGCCTCAAGGACCCTTGTTGAATGAATGAATGAAAGCACCCA[C>T]CTCACGTCATTGCCGCCGTGAGCAAAGGACCCGAAACAGGCGGTGAGGACCTGCAGGAAA-3'

ClinVar aggregate classification (germline): Pathogenic/Likely pathogenic. Review status: criteria provided, multiple submitters, no conflicts (2 of 4 stars). 2 submissions from 2 submitters: Pathogenic (1); Likely pathogenic (1). Last evaluated 2025-11-19.

Conditions:
SLC20A2-related disorder. Also called: SLC20A2-related condition.

Submissions (2):

PreventionGenetics, part of Exact Sciences
Classification: Likely pathogenic for SLC20A2-related condition. Last evaluated: 2025-11-19. Review status: criteria provided, single submitter. Criteria: ACMG Guidelines, 2015. Collection method: clinical testing. Allele origin: germline.
Comment: The SLC20A2 c.1523+1G>A variant is predicted to disrupt the GT donor site and interfere with normal splicing. This variant was reported in an individual with basal ganglia calcification (Hsu et al. 2013. PubMed ID: 23334463). This variant has not been reported in a large population database (gnomAD), indicating this variant is rare. Variants that disrupt the consensus splice donor site in SLC20A2 are expected to be pathogenic. This variant is interpreted as likely pathogenic.

CeGaT Center for Human Genetics Tuebingen
Classification: Pathogenic. Last evaluated: 2024-10-01. Review status: criteria provided, single submitter. Criteria: CeGaT Center For Human Genetics Tuebingen Variant Classification Criteria Version 2. Collection method: clinical testing. Allele origin: germline. Affected: yes. Observed: 1 variant allele.
Comment: SLC20A2: PVS1, PP1:Strong, PM2